The following is an entry in ClinVar:

NM_198994.3(TGM6):c.242G>A (p.Arg81Gln)

Gene: TGM6 (transglutaminase 6; plus strand). Cytogenetic location: 20p13.
Variant type: single nucleotide variant.
Coding change: c.242G>A on transcript NM_198994.3 (MANE Select); coding-DNA position 242, G replaced by A.
Protein change: p.Arg81Gln; replaces arginine 81 with glutamine.
Molecular consequence: missense variant.
Genome position (GRCh38, 1-based): chr20:2,395,254, G>A. VCF-style: chr20-2395254-G-A. GRCh37 (hg19) VCF-style: chr20-2375900-G-A.
Other names: c.242G>A, p.Arg81Gln (NM_001254734.2); short protein forms R81Q.
Identifiers: ClinVar variation 809213 (VCV000809213.48), dbSNP rs767210657, ClinGen allele CA9731598.

ClinVar aggregate classification (germline): Uncertain significance. Review status: criteria provided, multiple submitters, no conflicts (2 of 4 stars). 2 submissions from 2 submitters: Uncertain significance (2). Last evaluated 2025-11-03.

Allele frequency attached by ClinVar (database versions not stated): gnomAD 0.00003; TOPMed 0.00007.
gnomAD v4.1: 58 of 1,613,944 alleles (0.0036%); highest among the groups gnomAD compares: Middle Eastern, 0.033%; no homozygotes.

Submissions (2):

Labcorp Genetics (formerly Invitae), Labcorp
Classification: Uncertain significance. Last evaluated: 2025-11-03. Review status: criteria provided, single submitter. Criteria: Invitae Variant Classification Sherloc (09022015). Collection method: clinical testing. Allele origin: germline.
Comment: This sequence change replaces arginine, which is basic and polar, with glutamine, which is neutral and polar, at codon 81 of the TGM6 protein (p.Arg81Gln). This variant is present in population databases (rs767210657, gnomAD 0.01%). This variant has not been reported in the literature in individuals affected with TGM6-related conditions. ClinVar contains an entry for this variant (Variation ID: 809213). Invitae Evidence Modeling of protein sequence and biophysical properties (such as structural, functional, and spatial information, amino acid conservation, physicochemical variation, residue mobility, and thermodynamic stability) indicates that this missense variant is not expected to disrupt TGM6 protein function with a negative predictive value of 80%. In summary, the available evidence is currently insufficient to determine the role of this variant in disease. Therefore, it has been classified as a Variant of Uncertain Significance.

CeGaT Center for Human Genetics Tuebingen
Classification: Uncertain significance. Last evaluated: 2016-08-01. Review status: criteria provided, single submitter. Criteria: CeGaT Center For Human Genetics Tuebingen Variant Classification Criteria Version 2. Collection method: clinical testing. Allele origin: germline. Affected: yes. Observed: 1 variant allele.